The following is an entry in ClinVar:

ClinVar aggregate classification (germline): Pathogenic/Likely pathogenic. Review status: criteria provided, multiple submitters, no conflicts (2 of 4 stars). 5 submissions from 5 submitters: Pathogenic (3); Likely pathogenic (2). Last evaluated 2026-08-05.

Conditions:
Intellectual developmental disorder, autosomal dominant 50, with behavioral abnormalities. Also called: MENTAL RETARDATION, AUTOSOMAL DOMINANT 50; Intellectual disability, autosomal dominant 50. Identifiers: MedGen C4540470, MONDO:0030916, OMIM 617787.
Inborn genetic diseases. Identifiers: MedGen C0950123, MeSH D030342.

Submissions (5):

Ambry Genetics
Classification: Pathogenic for Inborn genetic diseases. Last evaluated: 2026-08-05. Review status: criteria provided, single submitter. Criteria: Ambry Variant Classification Scheme 2023. Collection method: clinical testing. Allele origin: germline.
Comment: The c.1841dupA (p.N614Kfs*17) alteration, located in exon 15 (coding exon 15) of the NAA15 gene, consists of a duplication of A at position 1841, causing a translational frameshift with a predicted alternate stop codon after 17 amino acids. This variant is expected to result in loss of function by premature protein truncation or nonsense-mediated mRNA decay. This variant was not reported in population-based cohorts in the Genome Aggregation Database (gnomAD). Based on the available evidence, this alteration is classified as pathogenic.

Labcorp Genetics (formerly Invitae), Labcorp
Classification: Pathogenic. Last evaluated: 2025-11-10. Review status: criteria provided, single submitter. Criteria: Invitae Variant Classification Sherloc (09022015). Collection method: clinical testing. Allele origin: germline.
Comment: This sequence change creates a premature translational stop signal (p.Asn614Lysfs*17) in the NAA15 gene. It is expected to result in an absent or disrupted protein product. Loss-of-function variants in NAA15 are known to be pathogenic (PMID: 28191889, 29656860). This variant is not present in population databases (gnomAD no frequency). This variant has not been reported in the literature in individuals affected with NAA15-related conditions. ClinVar contains an entry for this variant (Variation ID: 1069493). For these reasons, this variant has been classified as Pathogenic.

GeneDx
Classification: Pathogenic. Last evaluated: 2025-04-24. Review status: criteria provided, single submitter. Criteria: GeneDx Variant Classification Process June 2021. Collection method: clinical testing. Allele origin: germline. Affected: yes.
Comment: Frameshift variant predicted to result in protein truncation or nonsense mediated decay in a gene for which loss of function is a known mechanism of disease; Not observed at significant frequency in large population cohorts (gnomAD); Has not been previously published as pathogenic or benign to our knowledge

Center of Human Genetics, Hôpital Erasme
Classification: Likely pathogenic for Intellectual developmental disorder, autosomal dominant 50, with behavioral abnormalities. Last evaluated: 2025-01-01. Review status: criteria provided, single submitter. Criteria: ACMG Guidelines, 2015. Collection method: clinical testing. Allele origin: inherited. Affected: yes.

Greenwood Genetic Center Diagnostic Laboratories, Greenwood Genetic Center
Classification: Likely pathogenic. Last evaluated: 2020-11-13. Review status: criteria provided, single submitter. Criteria: ACMG Guidelines, 2015. Collection method: clinical testing. Allele origin: germline. Affected: yes.
Comment: PVS1_strong, PM2

Literature cited by the submitters: PubMed 28191889 (cited by Labcorp Genetics (formerly Invitae), Labcorp); PubMed 29656860 (cited by Labcorp Genetics (formerly Invitae), Labcorp).

NM_057175.5(NAA15):c.1841dup (p.Asn614fs)

Gene: NAA15 (N-alpha-acetyltransferase 15, NatA auxiliary subunit; plus strand). Cytogenetic location: 4q31.1.
Variant type: Duplication.
Coding change: c.1841dup on transcript NM_057175.5 (MANE Select); coding-DNA position 1841, one base duplicated (A; older notation c.1841dupA).
Protein change: p.Asn614fs; shifts the reading frame from asparagine 614.
Molecular consequence: frameshift variant.
Genome position (GRCh38, 1-based): chr4:139,370,298, A duplicated; the last of 8 consecutive A bases (chr4:139,370,291-139,370,298); duplicating any one gives the same sequence. VCF-style (leftmost placement, unchanged base first): chr4-139370290-G-GA. GRCh37 (hg19) VCF-style: chr4-140291444-G-GA.
Other names: c.1841dupA (NM_057175.3, NM_057175.5); short protein forms N614fs.
Identifiers: ClinVar variation 1069493 (VCV001069493.12), dbSNP rs1283385686, ClinGen allele CA2499217100.
Genomic context (GRCh38, chr4:139,370,290, plus strand): 5'-GCTAAAGAAGCTACGTAATAAACAAAGAAGAGCTCAAAAGAAAGCCCAGATAGAAGAAGA[G>GA]AAAAAAAATGCAGAAAAAGAAAAGCAGCAGAGAAATCAGAAAAAGAAGAAGGATGATGAT-3'